The following is an entry in ClinVar:

NM_000501.4(ELN):c.133+16C>T

Gene: ELN (elastin; plus strand). Cytogenetic location: 7q11.23.
Variant type: single nucleotide variant.
Coding change: c.133+16C>T on transcript NM_000501.4 (MANE Select); 16 bases into the intron after coding-DNA position 133, C replaced by T.
Molecular consequence: intron variant.
Genome position (GRCh38, 1-based): chr7:74,035,430, C>T. VCF-style: chr7-74035430-C-T. GRCh37 (hg19) VCF-style: chr7-73449760-C-T.
Other names: c.133+16C>T (NM_001081754.3, NM_001081753.3, NM_001278939.2 and 9 more transcripts).
Identifiers: ClinVar variation 513626 (VCV000513626.10), dbSNP rs144223231, ClinGen allele CA4292271.

ClinVar aggregate classification (germline): Likely benign. Review status: criteria provided, multiple submitters, no conflicts (2 of 4 stars). 3 submissions from 3 submitters: Likely benign (3). Last evaluated 2025-08-29.

Conditions:
Supravalvar aortic stenosis (SVAS). Also called: Supravalvar aortic stenosis, Eisenberg type. Identifiers: Orphanet 3193, MedGen C0003499, MONDO:0008504, OMIM 185500, HP:0004381.

Allele frequency attached by ClinVar (database versions not stated): TOPMed 0.00024; 1000 Genomes Project 0.00040; 1000 Genomes Project 30x 0.00047.
gnomAD v4.1: 81 of 1,614,104 alleles (0.005%); highest among the groups gnomAD compares: Middle Eastern, 0.049%; no homozygotes.

Submissions (3):

Labcorp Genetics (formerly Invitae), Labcorp
Classification: Likely benign for Supravalvar aortic stenosis. Last evaluated: 2025-08-29. Review status: criteria provided, single submitter. Criteria: Invitae Variant Classification Sherloc (09022015). Collection method: clinical testing. Allele origin: germline.

GeneDx
Classification: Likely benign. Last evaluated: 2017-11-29. Review status: criteria provided, single submitter. Criteria: GeneDx Variant Classification (06012015). Collection method: clinical testing. Allele origin: germline. Affected: yes.
Comment: This variant is considered likely benign or benign based on one or more of the following criteria: it is a conservative change, it occurs at a poorly conserved position in the protein, it is predicted to be benign by multiple in silico algorithms, and/or has population frequency not consistent with disease.

Breakthrough Genomics
Classification: Likely benign. Review status: criteria provided, single submitter. Criteria: ACMG Guidelines, 2015. Collection method: not provided. Allele origin: germline. Inheritance: Autosomal dominant inheritance. Affected: yes.